The following is an entry in ClinVar:

ClinVar aggregate classification (germline): Uncertain significance. Review status: criteria provided, multiple submitters, no conflicts (2 of 4 stars). 3 submissions from 3 submitters: Uncertain significance (3). Last evaluated 2024-07-14.

Allele frequency attached by ClinVar (database versions not stated): gnomAD 0.00003; TOPMed 0.00004.
gnomAD v4.1: 21 of 1,612,052 alleles (0.0013%); highest among the groups gnomAD compares: African/African-American, 0.0067%; no homozygotes.

Submissions (3):

Ambry Genetics
Classification: Uncertain significance. Last evaluated: 2024-07-14. Review status: criteria provided, single submitter. Criteria: Ambry Variant Classification Scheme 2023. Collection method: clinical testing. Allele origin: germline.

Blueprint Genetics
Classification: Uncertain significance. Last evaluated: 2023-12-12. Review status: criteria provided, single submitter. Criteria: ACMG Guidelines, 2015. Collection method: clinical testing. Allele origin: germline.

Labcorp Genetics (formerly Invitae), Labcorp
Classification: Uncertain significance. Last evaluated: 2022-08-23. Review status: criteria provided, single submitter. Criteria: Invitae Variant Classification Sherloc (09022015). Collection method: clinical testing. Allele origin: germline.
Comment: ClinVar contains an entry for this variant (Variation ID: 966524). In summary, the available evidence is currently insufficient to determine the role of this variant in disease. Therefore, it has been classified as a Variant of Uncertain Significance. Algorithms developed to predict the effect of missense changes on protein structure and function (SIFT, PolyPhen-2, Align-GVGD) all suggest that this variant is likely to be disruptive. This variant has not been reported in the literature in individuals affected with DHX38-related conditions. This variant is present in population databases (rs772203418, gnomAD 0.02%). This sequence change replaces arginine, which is basic and polar, with cysteine, which is neutral and slightly polar, at codon 1219 of the DHX38 protein (p.Arg1219Cys).

NM_014003.4(DHX38):c.3655C>T (p.Arg1219Cys)

Gene: DHX38 (DEAH-box helicase 38; plus strand). Cytogenetic location: 16q22.2.
Variant type: single nucleotide variant.
Coding change: c.3655C>T on transcript NM_014003.4 (MANE Select); coding-DNA position 3655, C replaced by T.
Protein change: p.Arg1219Cys; replaces arginine 1219 with cysteine.
Molecular consequence: missense variant.
Genome position (GRCh38, 1-based): chr16:72,112,468, C>T. VCF-style: chr16-72112468-C-T. GRCh37 (hg19) VCF-style: chr16-72146367-C-T.
Other names: short protein forms R1219C.
Identifiers: ClinVar variation 966524 (VCV000966524.7), dbSNP rs772203418, ClinGen allele CA8161072.